The following is an entry in ClinVar:

NM_006648.4(WNK2):c.1336G>A (p.Asp446Asn)

Gene: WNK2 (WNK lysine deficient protein kinase 2; plus strand). Cytogenetic location: 9q22.31.
Variant type: single nucleotide variant.
Coding change: c.1336G>A on transcript NM_006648.4 (MANE Select); coding-DNA position 1336, G replaced by A.
Protein change: p.Asp446Asn; replaces aspartic acid 446 with asparagine.
Molecular consequence: missense variant.
Genome position (GRCh38, 1-based): chr9:93,239,770, G>A. VCF-style: chr9-93239770-G-A. GRCh37 (hg19) VCF-style: chr9-96002052-G-A.
Other names: c.1336G>A, p.Asp446Asn (NM_001282394.3); short protein forms D446N.
Identifiers: ClinVar variation 4842113 (VCV004842113.1).

ClinVar aggregate classification (germline): Uncertain significance (1 of 4 stars; one submission).

gnomAD v4.1: 1 of 1,556,198 alleles (0.000064%); highest among the groups gnomAD compares: Admixed American, 0.0019%; no homozygotes.

Submission:

Ambry Genetics
Classification: Uncertain significance. Last evaluated: 2025-12-29. Review status: criteria provided, single submitter. Criteria: Ambry Variant Classification Scheme 2023. Collection method: clinical testing. Allele origin: germline.
Comment: The p.D446N variant (also known as c.1336G>A), located in coding exon 6 of the WNK2 gene, results from a G to A substitution at nucleotide position 1336. The aspartic acid at codon 446 is replaced by asparagine, an amino acid with highly similar properties. This amino acid position is conserved. In addition, this alteration is predicted to be tolerated by in silico analysis. Based on the available evidence, the clinical significance of this variant remains unclear.